The following is an entry in ClinVar:

NM_000890.5(KCNJ5):c.171_172inv (p.Gly58Ser)

Gene: KCNJ5 (potassium inwardly rectifying channel subfamily J member 5; plus strand). Cytogenetic location: 11q24.3.
Variant type: Inversion.
Coding change: c.171_172inv on transcript NM_000890.5 (MANE Select).
Protein change: p.Gly58Ser; replaces glycine 58 with serine.
Molecular consequence: missense variant.
Genome position: GRCh38 VCF-style: chr11-128911444-TG-CA. GRCh37 (hg19) VCF-style: chr11-128781339-TG-CA.
Other names: c.171_172delTGinsCA (NM_000890.3); c.171_172inv (LRG_333t1); c.171_172inv, p.Gly58Ser (NM_001354169.2); short protein forms G58S.
Identifiers: ClinVar variation 647708 (VCV000647708.5), ClinGen allele CA915947859.

ClinVar aggregate classification (germline): Uncertain significance. Review status: criteria provided, multiple submitters, no conflicts (2 of 4 stars). 2 submissions from 2 submitters: Uncertain significance (2). Last evaluated 2025-12-29.

Conditions:
Cardiovascular phenotype. Identifiers: MedGen CN230736.
Long QT syndrome (LQTS). Identifiers: MedGen C0023976, MeSH D008133, MONDO:0002442. Disease mechanism: loss of function. Inheritance: Various modes of inheritance.

Submissions (2):

Labcorp Genetics (formerly Invitae), Labcorp
Classification: Uncertain significance for Long QT syndrome. Last evaluated: 2025-12-29. Review status: criteria provided, single submitter. Criteria: Invitae Variant Classification Sherloc (09022015). Collection method: clinical testing. Allele origin: germline.
Comment: This sequence change replaces glycine, which is neutral and non-polar, with serine, which is neutral and polar, at codon 58 of the KCNJ5 protein (p.Gly58Ser). Information on the frequency of this variant in the gnomAD database is not available, as this variant may be reported differently in the database. This variant has not been reported in the literature in individuals affected with KCNJ5-related conditions. ClinVar contains an entry for this variant (Variation ID: 647708). Experimental studies and prediction algorithms are not available or were not evaluated, and the functional significance of this variant is currently unknown. In summary, the available evidence is currently insufficient to determine the role of this variant in disease. Therefore, it has been classified as a Variant of Uncertain Significance.

Ambry Genetics
Classification: Uncertain significance for Cardiovascular phenotype. Last evaluated: 2023-11-14. Review status: criteria provided, single submitter. Criteria: Ambry Variant Classification Scheme 2023. Collection method: clinical testing. Allele origin: germline.
Comment: The c.171_172delTGinsCA variant (also known as p.G58S), located in coding exon 1 of the KCNJ5 gene, results from an in-frame deletion of TG and insertion of CA at nucleotide positions 171 to 172. This results in the substitution of the glycine residue for a serine residue at codon 58, an amino acid with similar properties. This amino acid position is highly conserved in available vertebrate species. In addition, this alteration is predicted to be deleterious by in silico analysis. Since supporting evidence is limited at this time, the clinical significance of this alteration remains unclear.